The following is an entry in ClinVar:

ClinVar aggregate classification (germline): Uncertain significance (1 of 4 stars; one submission).

Allele frequency attached by ClinVar (database versions not stated): gnomAD exomes 0.00002 and 0.00003; gnomAD 0.00003; TOPMed 0.00003; ExAC 0.00004.
gnomAD v4.1: 42 of 1,609,416 alleles (0.0026%); highest among the groups gnomAD compares: Admixed American, 0.0067%; no homozygotes.

Submission:

Labcorp Genetics (formerly Invitae), Labcorp
Classification: Uncertain significance. Last evaluated: 2022-06-30. Review status: criteria provided, single submitter. Criteria: Invitae Variant Classification Sherloc (09022015). Collection method: clinical testing. Allele origin: germline.
Comment: This sequence change replaces alanine, which is neutral and non-polar, with valine, which is neutral and non-polar, at codon 210 of the DRAM2 protein (p.Ala210Val). The frequency data for this variant in the population databases is considered unreliable, as metrics indicate poor data quality at this position in the gnomAD database. This variant has not been reported in the literature in individuals affected with DRAM2-related conditions. ClinVar contains an entry for this variant (Variation ID: 1415301). Algorithms developed to predict the effect of missense changes on protein structure and function (SIFT, PolyPhen-2, Align-GVGD) all suggest that this variant is likely to be tolerated. In summary, the available evidence is currently insufficient to determine the role of this variant in disease. Therefore, it has been classified as a Variant of Uncertain Significance.

NM_001349884.2(DRAM2):c.629C>T (p.Ala210Val)

Gene: DRAM2 (DNA damage regulated autophagy modulator 2; minus strand). Cytogenetic location: 1p13.3.
Variant type: single nucleotide variant.
Coding change: c.629C>T on transcript NM_001349884.2 (MANE Select); coding-DNA position 629, C replaced by T.
Protein change: p.Ala210Val; replaces alanine 210 with valine.
Molecular consequence: missense variant. On other transcripts: non-coding transcript variant (8).
Genome position (GRCh38, 1-based): chr1:111,118,869, G>A on the plus strand (C>T on the coding strand, the complement: DRAM2 is on the minus strand). VCF-style: chr1-111118869-G-A. GRCh37 (hg19) VCF-style: chr1-111661491-G-A.
Other names: c.629C>T, p.Ala210Val (NM_001349881.2, NM_001349882.2, NM_001349885.2 and 1 more transcripts); c.359C>T, p.Ala120Val (NM_001349886.2, NM_001349887.2, NM_001349888.2); c.239C>T, p.Ala80Val (NM_001349889.2, NM_001349890.2, NM_001349891.2 and 2 more transcripts); short protein forms A120V, A80V, A210V.
Identifiers: ClinVar variation 1415301 (VCV001415301.5), dbSNP rs778999576, ClinGen allele CA1001771.